The following is an entry in ClinVar:

ClinVar aggregate classification (germline): Uncertain significance. Review status: criteria provided, multiple submitters, no conflicts (2 of 4 stars). 3 submissions from 3 submitters: Uncertain significance (3). Last evaluated 2024-12-16.

Conditions:
Retinitis pigmentosa 78 (RP78). Identifiers: MedGen C4479481, MONDO:0044314, OMIM 617433.

Allele frequency attached by ClinVar (database versions not stated): TOPMed 0.00008; gnomAD 0.00010 and 0.00015; 1000 Genomes Project 30x 0.00031; 1000 Genomes Project 0.00040.
gnomAD v4.1: 166 of 1,551,156 alleles (0.011%); highest among the groups gnomAD compares: East Asian, 0.37%; no homozygotes.

Submissions (3):

Labcorp Genetics (formerly Invitae), Labcorp
Classification: Uncertain significance. Last evaluated: 2024-12-16. Review status: criteria provided, single submitter. Criteria: Invitae Variant Classification Sherloc (09022015). Collection method: clinical testing. Allele origin: germline.
Comment: This sequence change replaces leucine, which is neutral and non-polar, with arginine, which is basic and polar, at codon 402 of the ARHGEF18 protein (p.Leu402Arg). This variant is present in population databases (rs188811081, gnomAD 0.2%). This variant has not been reported in the literature in individuals affected with ARHGEF18-related conditions. ClinVar contains an entry for this variant (Variation ID: 1034733). An algorithm developed to predict the effect of missense changes on protein structure and function (PolyPhen-2) suggests that this variant is likely to be disruptive. In summary, the available evidence is currently insufficient to determine the role of this variant in disease. Therefore, it has been classified as a Variant of Uncertain Significance.

Blueprint Genetics
Classification: Uncertain significance. Last evaluated: 2024-01-18. Review status: criteria provided, single submitter. Criteria: ACMG Guidelines, 2015. Collection method: clinical testing. Allele origin: germline.

Genetics and Molecular Pathology, SA Pathology
Classification: Uncertain significance for Retinitis pigmentosa 78. Last evaluated: 2021-01-06. Review status: criteria provided, single submitter. Criteria: ACMG Guidelines, 2015. Collection method: clinical testing. Allele origin: germline. Affected: yes.

NM_001367823.1(ARHGEF18):c.1769T>G (p.Leu590Arg)

Gene: ARHGEF18 (Rho/Rac guanine nucleotide exchange factor 18; plus strand). Cytogenetic location: 19p13.2.
Variant type: single nucleotide variant.
Coding change: c.1769T>G on transcript NM_001367823.1 (MANE Select); coding-DNA position 1769, T replaced by G.
Protein change: p.Leu590Arg; replaces leucine 590 with arginine.
Molecular consequence: missense variant.
Genome position (GRCh38, 1-based): chr19:7,451,180, T>G. VCF-style: chr19-7451180-T-G. GRCh37 (hg19) VCF-style: chr19-7516066-T-G.
Other names: c.1043T>G, p.Leu348Arg (NM_001130955.2); c.731T>G, p.Leu244Arg (NM_001367824.1, NM_015318.4); short protein forms L244R, L590R, L348R.
Identifiers: ClinVar variation 1034733 (VCV001034733.8), dbSNP rs188811081, ClinGen allele CA9136607.